The following is an entry in ClinVar:

NM_001014437.3(CARS1):c.1351G>A (p.Asp451Asn)

Gene: CARS1 (cysteinyl-tRNA synthetase 1; minus strand). Cytogenetic location: 11p15.4.
Variant type: single nucleotide variant.
Coding change: c.1351G>A on transcript NM_001014437.3 (MANE Select); coding-DNA position 1351, G replaced by A.
Protein change: p.Asp451Asn; replaces aspartic acid 451 with asparagine.
Molecular consequence: missense variant. On other transcripts: non-coding transcript variant (4).
Genome position (GRCh38, 1-based): chr11:3,019,183, C>T on the plus strand (G>A on the coding strand, the complement: CARS1 is on the minus strand). VCF-style: chr11-3019183-C-T. GRCh37 (hg19) VCF-style: chr11-3040413-C-T.
Other names: c.1351G>A, p.Asp451Asn (NM_001194997.2); c.1141G>A, p.Asp381Asn (NM_001378136.1); c.1072G>A, p.Asp358Asn (NM_001378137.1, NM_001378138.1, NM_001378139.1); c.826G>A, p.Asp276Asn (NM_001378140.1); c.1102G>A, p.Asp368Asn (NM_001751.6, NM_139273.4); short protein forms D276N, D358N, D368N, D381N, D451N.
Identifiers: ClinVar variation 3901288 (VCV003901288.3).
Genomic context (GRCh38, chr11:3,019,183, plus strand): 5'-CTCTGTTTTCACCTACCTCCGACTGTGCCAGCTCATTGTCATGGTGGGGGAACCGGAGGT[C>T]GAACCCACCTCCGTGAATGTCCATCGAAGCCCCTAGGAGGGTGCCTGCCATGGCCGAGCA-3'
Protein context (NP_001014437.1, residues 441-461): ASMDIHGGGF[Asp451Asn]LRFPHHDNEL

ClinVar aggregate classification (germline): Uncertain significance. Review status: criteria provided, multiple submitters, no conflicts (2 of 4 stars). 2 submissions from 2 submitters: Uncertain significance (2). Last evaluated 2025-08-06.

Conditions:
Microcephaly, developmental delay, and brittle hair syndrome. Identifiers: MedGen C5394425, MONDO:0030047, OMIM 618891.

Submissions (2):

Department of Pediatrics, Children's Hospital of Philadelphia
Classification: Uncertain significance for Microcephaly, developmental delay, and brittle hair syndrome. Last evaluated: 2025-08-06. Review status: criteria provided, single submitter. Criteria: ACMG Guidelines, 2015. Collection method: provider interpretation. Allele origin: de novo. Inheritance: Autosomal recessive inheritance. Affected: yes. Observed: 1 compound heterozygote.
Comment: CARS1 is a candidate gene. This is a novel variant that has not previously been described in the medical literature to our knowledge. It is a rare variant in gnomAD (v.4) in 3 people total and no homozygotes. In silico analysis suggests the variant is probably damaging/deleterious (Poly-Phen/PROVEAN). Given this is a candidate gene, based on ACMG criteria, it would be considered a variant of uncertain clinical significance.

Ambry Genetics
Classification: Uncertain significance. Last evaluated: 2025-03-19. Review status: criteria provided, single submitter. Criteria: Ambry Variant Classification Scheme 2023. Collection method: clinical testing. Allele origin: germline.